The following is an entry in ClinVar:

NM_024741.3(ZNF408):c.81A>C (p.Leu27Phe)

Gene: ZNF408 (zinc finger protein 408; plus strand). Cytogenetic location: 11p11.2.
Variant type: single nucleotide variant.
Coding change: c.81A>C on transcript NM_024741.3 (MANE Select); coding-DNA position 81, A replaced by C.
Protein change: p.Leu27Phe; replaces leucine 27 with phenylalanine.
Molecular consequence: missense variant.
Genome position (GRCh38, 1-based): chr11:46,701,427, A>C. VCF-style: chr11-46701427-A-C. GRCh37 (hg19) VCF-style: chr11-46722977-A-C.
Other names: c.57A>C, p.Leu19Phe (NM_001184751.2); short protein forms L19F, L27F.
Identifiers: ClinVar variation 4693986 (VCV004693986.1).

ClinVar aggregate classification (germline): Uncertain significance (1 of 4 stars; one submission).

gnomAD v4.1: 7 of 1,613,688 alleles (0.00043%); highest among the groups gnomAD compares: Non-Finnish European, 0.00042%; no homozygotes.

Submission:

Labcorp Genetics (formerly Invitae), Labcorp
Classification: Uncertain significance. Last evaluated: 2025-10-19. Review status: criteria provided, single submitter. Criteria: Invitae Variant Classification Sherloc (09022015). Collection method: clinical testing. Allele origin: germline.
Comment: This sequence change replaces leucine, which is neutral and non-polar, with phenylalanine, which is neutral and non-polar, at codon 27 of the ZNF408 protein (p.Leu27Phe). This variant is present in population databases (no rsID available, gnomAD 0.04%). This variant has not been reported in the literature in individuals affected with ZNF408-related conditions. An algorithm developed to predict the effect of missense changes on protein structure and function (PolyPhen-2) suggests that this variant is likely to be tolerated. In summary, the available evidence is currently insufficient to determine the role of this variant in disease. Therefore, it has been classified as a Variant of Uncertain Significance.